The following is an entry in ClinVar:

NM_001040716.2(PC):c.83A>G (p.Asn28Ser)

Gene: PC (pyruvate carboxylase; minus strand). Cytogenetic location: 11q13.2.
Variant type: single nucleotide variant.
Coding change: c.83A>G on transcript NM_001040716.2 (MANE Select); coding-DNA position 83, A replaced by G.
Protein change: p.Asn28Ser; replaces asparagine 28 with serine.
Molecular consequence: missense variant.
Genome position (GRCh38, 1-based): chr11:66,872,077, T>C on the plus strand (A>G on the coding strand, the complement: PC is on the minus strand). VCF-style: chr11-66872077-T-C. GRCh37 (hg19) VCF-style: chr11-66639548-T-C.
Other names: c.83A>G, p.Asn28Ser (NM_000920.4, NM_022172.3); short protein forms N28S.
Identifiers: ClinVar variation 3691342 (VCV003691342.2).

ClinVar aggregate classification (germline): Uncertain significance (1 of 4 stars; one submission).

Conditions:
Pyruvate carboxylase deficiency. Also called: ATAXIA WITH LACTIC ACIDOSIS II; LEIGH NECROTIZING ENCEPHALOPATHY DUE TO PYRUVATE CARBOXYLASE DEFICIENCY; LEIGH SYNDROME DUE TO PYRUVATE CARBOXYLASE DEFICIENCY; PC DEFICIENCY; Pyruvate Carboxylase Deficiency Disease. Identifiers: Orphanet 3008, MedGen C0034341, MONDO:0009949, OMIM 266150.

gnomAD v4.1: 2 of 1,567,682 alleles (0.00013%); highest among the groups gnomAD compares: South Asian, 0.0023%; no homozygotes.

Submission:

Labcorp Genetics (formerly Invitae), Labcorp
Classification: Uncertain significance for Pyruvate carboxylase deficiency. Last evaluated: 2024-11-18. Review status: criteria provided, single submitter. Criteria: Invitae Variant Classification Sherloc (09022015). Collection method: clinical testing. Allele origin: germline.
Comment: This sequence change replaces asparagine, which is neutral and polar, with serine, which is neutral and polar, at codon 28 of the PC protein (p.Asn28Ser). This variant is not present in population databases (gnomAD no frequency). This variant has not been reported in the literature in individuals affected with PC-related conditions. Invitae Evidence Modeling of protein sequence and biophysical properties (such as structural, functional, and spatial information, amino acid conservation, physicochemical variation, residue mobility, and thermodynamic stability) indicates that this missense variant is not expected to disrupt PC protein function with a negative predictive value of 95%. In summary, the available evidence is currently insufficient to determine the role of this variant in disease. Therefore, it has been classified as a Variant of Uncertain Significance.